The following is an entry in ClinVar:

ClinVar aggregate classification (germline): Uncertain significance (1 of 4 stars; one submission).

Submission:

Labcorp Genetics (formerly Invitae), Labcorp
Classification: Uncertain significance. Last evaluated: 2022-07-22. Review status: criteria provided, single submitter. Criteria: Invitae Variant Classification Sherloc (09022015). Collection method: clinical testing. Allele origin: germline.
Comment: This variant, c.131_132insCGGCGACTTCGGCGA, results in the insertion of 5 amino acid(s) of the FAM46A protein (p.Gly45_Gly46insAspPheGlyAspGly), but otherwise preserves the integrity of the reading frame. In summary, the available evidence is currently insufficient to determine the role of this variant in disease. Therefore, it has been classified as a Variant of Uncertain Significance. This variant has not been reported in the literature in individuals affected with FAM46A-related conditions. This variant is not present in population databases (gnomAD no frequency).

NM_017633.3(TENT5A):c.131_132insCGGCGACTTCGGCGA (p.Gly45_Gly46insAspPheGlyAspGly)

Gene: TENT5A (terminal nucleotidyltransferase 5A; minus strand). Cytogenetic location: 6q14.1.
Variant type: Insertion.
Coding change: c.131_132insCGGCGACTTCGGCGA on transcript NM_017633.3 (MANE Select); coding-DNA positions 131 to 132, CGGCGACTTCGGCGA inserted.
Protein change: p.Gly45_Gly46insAspPheGlyAspGly.
Molecular consequence: inframe insertion.
Genome position: GRCh38 VCF-style: chr6-81752010-A-ATCGCCGAAGTCGCCG. GRCh37 (hg19) VCF-style: chr6-82461727-A-ATCGCCGAAGTCGCCG.
Identifiers: ClinVar variation 2018714 (VCV002018714.2), dbSNP rs1769048919, ClinGen allele CA1641749981.